The following is an entry in ClinVar:

NM_002907.4(RECQL):c.215-169C>A

Gene: RECQL (RecQ like helicase; minus strand). Cytogenetic location: 12p12.1.
Variant type: single nucleotide variant.
Coding change: c.215-169C>A on transcript NM_002907.4 (MANE Select); 169 bases into the intron before coding-DNA position 215, C replaced by A.
Molecular consequence: intron variant.
Genome position (GRCh38, 1-based): chr12:21,490,547, G>T on the plus strand (C>A on the coding strand, the complement: RECQL is on the minus strand). VCF-style: chr12-21490547-G-T. GRCh37 (hg19) VCF-style: chr12-21643481-G-T.
Other names: c.215-169C>A (NM_032941.3).
Identifiers: ClinVar variation 679744 (VCV000679744.1), dbSNP rs77099696, ClinGen allele CA233583336.

ClinVar aggregate classification (germline): Likely benign (1 of 4 stars; one submission).

Allele frequency attached by ClinVar (database versions not stated): 1000 Genomes Project 0.03554; 1000 Genomes Project 30x 0.03716; gnomAD 0.03916 and 0.03973; TOPMed 0.04069.
gnomAD v4.1: 5,989 of 152,254 alleles (3.9%); highest among the groups gnomAD compares: Middle Eastern, 6.1%; 127 homozygotes.

Submission:

GeneDx
Classification: Likely benign. Last evaluated: 2018-06-15. Review status: criteria provided, single submitter. Criteria: GeneDx Variant Classification (06012015). Collection method: clinical testing. Allele origin: germline. Affected: yes.
Comment: This variant is considered likely benign or benign based on one or more of the following criteria: it is a conservative change, it occurs at a poorly conserved position in the protein, it is predicted to be benign by multiple in silico algorithms, and/or has population frequency not consistent with disease.